The following is an entry in ClinVar:

NM_001135022.2(ELMOD3):c.787C>T (p.Gln263Ter)

Gene: ELMOD3 (ELMO domain containing 3; plus strand). Cytogenetic location: 2p11.2.
Variant type: single nucleotide variant.
Coding change: c.787C>T on transcript NM_001135022.2 (MANE Select); coding-DNA position 787, C replaced by T.
Protein change: p.Gln263Ter; replaces glutamine 263 with a stop codon.
Molecular consequence: nonsense. On other transcripts: non-coding transcript variant (3).
Genome position (GRCh38, 1-based): chr2:85,389,799, C>T. VCF-style: chr2-85389799-C-T. GRCh37 (hg19) VCF-style: chr2-85616922-C-T.
Other names: c.787C>T, p.Gln263Ter (NM_001135021.2, NM_001135023.2, NM_001329791.2 and 2 more transcripts); short protein forms Q263*.
Identifiers: ClinVar variation 1368629 (VCV001368629.6), dbSNP rs1456754682, ClinGen allele CA347456020.

ClinVar aggregate classification (germline): Uncertain significance (1 of 4 stars; one submission).

Allele frequency attached by ClinVar (database versions not stated): gnomAD 0.00001.

Submission:

Labcorp Genetics (formerly Invitae), Labcorp
Classification: Uncertain significance. Last evaluated: 2022-09-19. Review status: criteria provided, single submitter. Criteria: Invitae Variant Classification Sherloc (09022015). Collection method: clinical testing. Allele origin: germline.
Comment: Algorithms developed to predict the effect of sequence changes on RNA splicing suggest that this variant may disrupt the consensus splice site. In summary, the available evidence is currently insufficient to determine the role of this variant in disease. Therefore, it has been classified as a Variant of Uncertain Significance. ClinVar contains an entry for this variant (Variation ID: 1368629). This variant has not been reported in the literature in individuals affected with ELMOD3-related conditions. This variant is present in population databases (no rsID available, gnomAD 0.007%). This sequence change creates a premature translational stop signal (p.Gln263*) in the ELMOD3 gene. It is expected to result in an absent or disrupted protein product. However, the current clinical and genetic evidence is not sufficient to establish whether loss-of-function variants in ELMOD3 cause disease.